The following is an entry in ClinVar:

NM_005236.3(ERCC4):c.1630T>C (p.Phe544Leu)

Gene: ERCC4 (ERCC excision repair 4, endonuclease catalytic subunit; plus strand). Cytogenetic location: 16p13.12.
Variant type: single nucleotide variant.
Coding change: c.1630T>C on transcript NM_005236.3 (MANE Select); coding-DNA position 1630, T replaced by C.
Protein change: p.Phe544Leu; replaces phenylalanine 544 with leucine.
Molecular consequence: missense variant.
Genome position (GRCh38, 1-based): chr16:13,935,562, T>C. VCF-style: chr16-13935562-T-C. GRCh37 (hg19) VCF-style: chr16-14029419-T-C.
Other names: short protein forms F544L.
Identifiers: ClinVar variation 2933230 (VCV002933230.3), dbSNP rs1018012786, ClinGen allele CA394812046.

ClinVar aggregate classification (germline): Uncertain significance (1 of 4 stars; one submission).

Conditions:
Xeroderma pigmentosum, group F (XPF). Also called: XERODERMA PIGMENTOSUM, COMPLEMENTATION GROUP F; XERODERMA PIGMENTOSUM, TYPE F; Xeroderma pigmentosum, type 6; XERODERMA PIGMENTOSUM VI; XP, GROUP F; ERCC4-Related Xeroderma Pigmentosum. Identifiers: MedGen C0268140, MONDO:0010215, OMIM 278760.
Fanconi anemia complementation group Q. Identifiers: Orphanet 84, MedGen C3808988, MONDO:0014108, OMIM 615272.
Cockayne syndrome. Identifiers: Orphanet 191, MedGen C0009207, MONDO:0016006.

Allele frequency attached by ClinVar (database versions not stated): TOPMed below 0.00001.

Submission:

Labcorp Genetics (formerly Invitae), Labcorp
Classification: Uncertain significance for Fanconi anemia complementation group Q; Xeroderma pigmentosum, group F; Cockayne syndrome. Last evaluated: 2023-12-08. Review status: criteria provided, single submitter. Criteria: Invitae Variant Classification Sherloc (09022015). Collection method: clinical testing. Allele origin: germline.
Comment: This sequence change replaces phenylalanine, which is neutral and non-polar, with leucine, which is neutral and non-polar, at codon 544 of the ERCC4 protein (p.Phe544Leu). This variant is present in population databases (no rsID available, gnomAD 0.0009%). This variant has not been reported in the literature in individuals affected with ERCC4-related conditions. Advanced modeling of protein sequence and biophysical properties (such as structural, functional, and spatial information, amino acid conservation, physicochemical variation, residue mobility, and thermodynamic stability) performed at Invitae indicates that this missense variant is not expected to disrupt ERCC4 protein function with a negative predictive value of 80%. In summary, the available evidence is currently insufficient to determine the role of this variant in disease. Therefore, it has been classified as a Variant of Uncertain Significance.